The following is an entry in ClinVar:

NM_001388492.1(HTT):c.4099_4100delinsTG (p.Thr1367Cys)

Gene: HTT (huntingtin; plus strand). Cytogenetic location: 4p16.3.
Variant type: Indel.
Coding change: c.4099_4100delinsTG on transcript NM_001388492.1 (MANE Select); coding-DNA positions 4099 to 4100, AC replaced by TG.
Protein change: p.Thr1367Cys; replaces threonine 1367 with cysteine.
Molecular consequence: missense variant.
Genome position (GRCh38, 1-based): chr4:3,173,064-3,173,065, AC replaced by TG. VCF-style: chr4-3173064-AC-TG. GRCh37 (hg19) VCF-style: chr4-3174791-AC-TG.
Other names: c.4105_4106delinsTG, p.Thr1369Cys (NM_002111.8); short protein forms T1369C, T1367C.
Identifiers: ClinVar variation 1494739 (VCV001494739.6), dbSNP rs2110232288, ClinGen allele CA2573137556.
Genomic context (GRCh38, chr4:3,173,064, plus strand): 5'-TCCTCCAGTGTGAGGCCAGGCTTGTACCACTACTGCTTCATGGCCCCGTACACCCACTTC[AC>TG]CCAGGCCCTCGCTGACGCCAGCCTGAGGAACATGGTGCAGGCGGAGCAGGAGAACGACAC-3'
Protein context (NP_001375421.1, residues 1357-1377): YCFMAPYTHF[Thr1367Cys]QALADASLRN

ClinVar aggregate classification (germline): Uncertain significance (1 of 4 stars; one submission).

Submission:

Labcorp Genetics (formerly Invitae), Labcorp
Classification: Uncertain significance. Last evaluated: 2020-12-18. Review status: criteria provided, single submitter. Criteria: Invitae Variant Classification Sherloc (09022015). Collection method: clinical testing. Allele origin: germline.
Comment: In summary, the available evidence is currently insufficient to determine the role of this variant in disease. Therefore, it has been classified as a Variant of Uncertain Significance. Experimental studies and prediction algorithms are not available or were not evaluated, and the functional significance of this variant is currently unknown. This sequence change replaces threonine with cysteine at codon 1369 of the HTT protein (p.Thr1369Cys). The threonine residue is moderately conserved and there is a large physicochemical difference between threonine and cysteine. The frequency data for this variant in the population databases is not available, as this variant may be reported as separate entries in the ExAC database. This variant has not been reported in the literature in individuals with HTT-related conditions.